The following is an entry in ClinVar:

ClinVar aggregate classification (germline): Likely benign (0 of 4 stars; one submission).

Conditions:
KIDINS220-related disorder. Also called: KIDINS220-related condition.

gnomAD v4.1: 12 of 1,613,850 alleles (0.00074%); highest among the groups gnomAD compares: Non-Finnish European, 0.001%; no homozygotes.

Submission:

PreventionGenetics, part of Exact Sciences
Classification: Likely benign for KIDINS220-related condition. Last evaluated: 2024-05-30. Review status: no assertion criteria provided. Collection method: clinical testing. Allele origin: germline.
Comment: This variant is classified as likely benign based on ACMG/AMP sequence variant interpretation guidelines (Richards et al. 2015 PMID: 25741868, with internal and published modifications).

NM_020738.4(KIDINS220):c.2178C>G (p.Leu726=)

Gene: KIDINS220 (kinase D interacting substrate 220; minus strand). Cytogenetic location: 2p25.1.
Variant type: single nucleotide variant.
Coding change: c.2178C>G on transcript NM_020738.4 (MANE Select); coding-DNA position 2178, C replaced by G.
Protein change: p.Leu726=; no amino-acid change (leucine 726 retained).
Molecular consequence: synonymous variant. On other transcripts: non-coding transcript variant (2).
Genome position (GRCh38, 1-based): chr2:8,785,792, G>C on the plus strand (C>G on the coding strand, the complement: KIDINS220 is on the minus strand). VCF-style: chr2-8785792-G-C. GRCh37 (hg19) VCF-style: chr2-8925922-G-C.
Other names: c.2181C>G, p.Leu727= (NM_001348729.2, NM_001348731.2, NM_001348734.2 and 3 more transcripts); c.2178C>G, p.Leu726= (NM_001348732.2, NM_001348735.2, NM_001348738.2 and 3 more transcripts); c.2052C>G, p.Leu684= (NM_001348736.2).
Identifiers: ClinVar variation 3350830 (VCV003350830.1).